The following is an entry in ClinVar:

NM_000059.4(BRCA2):c.985A>C (p.Arg329=)

Gene: BRCA2 (BRCA2 DNA repair associated; plus strand). Cytogenetic location: 13q13.1.
Variant type: single nucleotide variant.
Coding change: c.985A>C on transcript NM_000059.4 (MANE Select); coding-DNA position 985, A replaced by C.
Protein change: p.Arg329=; no amino-acid change (arginine 329 retained).
Molecular consequence: synonymous variant. On other transcripts: non-coding transcript variant (1), intron variant (1).
Genome position (GRCh38, 1-based): chr13:32,332,463, A>C. VCF-style: chr13-32332463-A-C. GRCh37 (hg19) VCF-style: chr13-32906600-A-C.
Other names: c.985A>C, p.Arg329= (NM_001406719.1, NM_001406720.1, NM_001406721.1); c.424+1433A>C (NM_001406722.1).
Identifiers: ClinVar variation 2573921 (VCV002573921.1), dbSNP rs2548519273, ClinGen allele CA483436447.
Genomic context (GRCh38, chr13:32,332,463, plus strand): 5'-TCATTATGTTTTTCTAAATGTAGAACAAAAAATCTACAAAAAGTAAGAACTAGCAAGACT[A>C]GGAAAAAAATTTTCCATGAAGCAAACGCTGATGAATGTGAAAAATCTAAAAACCAAGTGA-3'
Protein context (NP_000050.3, residues 319-339): NLQKVRTSKT[Arg329=]KKIFHEANAD

ClinVar aggregate classification (germline): Uncertain significance (1 of 4 stars; one submission).

Submission:

GeneDx
Classification: Uncertain significance. Last evaluated: 2023-01-24. Review status: criteria provided, single submitter. Criteria: GeneDx Variant Classification Process June 2021. Collection method: clinical testing. Allele origin: germline. Affected: yes.
Comment: Not observed at significant frequency in large population cohorts (gnomAD); In silico analysis supports that this variant does not alter splicing; Has not been previously published as pathogenic or benign to our knowledge; Also known as 1213A>C